The following is an entry in ClinVar:

ClinVar aggregate classification (germline): Uncertain significance (1 of 4 stars; one submission).

Conditions:
Genitopatellar syndrome (GTPTS). Also called: Genitopatellar syndrome (GPS); ABSENT PATELLAE, SCROTAL HYPOPLASIA, RENAL ANOMALIES, FACIAL DYSMORPHISM, AND MENTAL RETARDATION. Identifiers: Orphanet 85201, MedGen C1853566, MONDO:0011640, OMIM 606170.

Allele frequency attached by ClinVar (database versions not stated): TOPMed 0.00001.

Submission:

Labcorp Genetics (formerly Invitae), Labcorp
Classification: Uncertain significance for Genitopatellar syndrome. Last evaluated: 2022-11-06. Review status: criteria provided, single submitter. Criteria: Invitae Variant Classification Sherloc (09022015). Collection method: clinical testing. Allele origin: germline.
Comment: In summary, the available evidence is currently insufficient to determine the role of this variant in disease. Therefore, it has been classified as a Variant of Uncertain Significance. Advanced modeling of protein sequence and biophysical properties (such as structural, functional, and spatial information, amino acid conservation, physicochemical variation, residue mobility, and thermodynamic stability) performed at Invitae indicates that this missense variant is not expected to disrupt KAT6B protein function. This variant has not been reported in the literature in individuals affected with KAT6B-related conditions. This variant is not present in population databases (gnomAD no frequency). This sequence change replaces lysine, which is basic and polar, with arginine, which is basic and polar, at codon 769 of the KAT6B protein (p.Lys769Arg).

NM_012330.4(KAT6B):c.2306A>G (p.Lys769Arg)

Gene: KAT6B (lysine acetyltransferase 6B; plus strand). Cytogenetic location: 10q22.2.
Variant type: single nucleotide variant.
Coding change: c.2306A>G on transcript NM_012330.4 (MANE Select); coding-DNA position 2306, A replaced by G.
Protein change: p.Lys769Arg; replaces lysine 769 with arginine.
Molecular consequence: missense variant. On other transcripts: intron variant (2).
Genome position (GRCh38, 1-based): chr10:74,981,861, A>G. VCF-style: chr10-74981861-A-G. GRCh37 (hg19) VCF-style: chr10-76741619-A-G.
Other names: c.1757A>G, p.Lys586Arg (NM_001256468.2, NM_001370138.1); c.1430A>G, p.Lys477Arg (NM_001256469.2, NM_001370132.1, NM_001370139.1 and 3 more transcripts); c.383A>G, p.Lys128Arg (NM_001370134.1); c.2306A>G, p.Lys769Arg (NM_001370136.1, NM_001370137.1); c.1241A>G, p.Lys414Arg (NM_001370143.1, NM_001370144.1); c.847-7158A>G (NM_001370133.1); c.193-7158A>G (NM_001370135.1); short protein forms K128R, K477R, K586R, K414R, K769R.
Identifiers: ClinVar variation 2812438 (VCV002812438.3), dbSNP rs1038304658, ClinGen allele CA209706123.